The following is an entry in ClinVar:

NM_006662.3(SRCAP):c.7577C>T (p.Pro2526Leu)

Gene: SRCAP (Snf2 related CREBBP activator protein; plus strand). Cytogenetic location: 16p11.2.
Variant type: single nucleotide variant.
Coding change: c.7577C>T on transcript NM_006662.3 (MANE Select); coding-DNA position 7577, C replaced by T.
Protein change: p.Pro2526Leu; replaces proline 2526 with leucine.
Molecular consequence: missense variant.
Genome position (GRCh38, 1-based): chr16:30,737,617, C>T. VCF-style: chr16-30737617-C-T. GRCh37 (hg19) VCF-style: chr16-30748938-C-T.
Other names: short protein forms P2526L.
Identifiers: ClinVar variation 4740542 (VCV004740542.1).

ClinVar aggregate classification (germline): Uncertain significance (1 of 4 stars; one submission).

Submission:

Labcorp Genetics (formerly Invitae), Labcorp
Classification: Uncertain significance. Last evaluated: 2025-02-25. Review status: criteria provided, single submitter. Criteria: Invitae Variant Classification Sherloc (09022015). Collection method: clinical testing. Allele origin: germline.
Comment: This sequence change replaces proline, which is neutral and non-polar, with leucine, which is neutral and non-polar, at codon 2526 of the SRCAP protein (p.Pro2526Leu). This variant is present in population databases (no rsID available, gnomAD 0.003%). This variant has not been reported in the literature in individuals affected with SRCAP-related conditions. Invitae Evidence Modeling of protein sequence and biophysical properties (such as structural, functional, and spatial information, amino acid conservation, physicochemical variation, residue mobility, and thermodynamic stability) indicates that this missense variant is not expected to disrupt SRCAP protein function with a negative predictive value of 80%. In summary, the available evidence is currently insufficient to determine the role of this variant in disease. Therefore, it has been classified as a Variant of Uncertain Significance.